The following is an entry in ClinVar:

ClinVar aggregate classification (germline): Uncertain significance. Review status: criteria provided, multiple submitters, no conflicts (2 of 4 stars). 3 submissions from 3 submitters: Uncertain significance (3). Last evaluated 2025-03-23.

Conditions:
Hereditary cancer-predisposing syndrome. Also called: Hereditary Cancer Syndrome; Neoplastic Syndromes, Hereditary; Tumor predisposition; Hereditary neoplastic syndrome. Identifiers: Orphanet 140162, MedGen C0027672, MeSH D009386, MONDO:0015356.
Familial adenomatous polyposis 1 (FAP1). Also called: POLYPOSIS, ADENOMATOUS INTESTINAL; FAMILIAL ADENOMATOUS POLYPOSIS 1, ATTENUATED. Identifiers: MedGen C2713442, MONDO:0021056, OMIM 175100. Disease mechanism: loss of function.

Submissions (3):

Labcorp Genetics (formerly Invitae), Labcorp
Classification: Uncertain significance for Familial adenomatous polyposis 1. Last evaluated: 2025-03-23. Review status: criteria provided, single submitter. Criteria: Invitae Variant Classification Sherloc (09022015). Collection method: clinical testing. Allele origin: germline.
Comment: This sequence change replaces aspartic acid, which is acidic and polar, with asparagine, which is neutral and polar, at codon 1285 of the APC protein (p.Asp1285Asn). This variant is not present in population databases (gnomAD no frequency). This variant has not been reported in the literature in individuals affected with APC-related conditions. ClinVar contains an entry for this variant (Variation ID: 489446). Invitae Evidence Modeling of protein sequence and biophysical properties (such as structural, functional, and spatial information, amino acid conservation, physicochemical variation, residue mobility, and thermodynamic stability) indicates that this missense variant is not expected to disrupt APC protein function with a negative predictive value of 95%. In summary, the available evidence is currently insufficient to determine the role of this variant in disease. Therefore, it has been classified as a Variant of Uncertain Significance.

Color Diagnostics, LLC DBA Color Health
Classification: Uncertain significance for Hereditary cancer-predisposing syndrome. Last evaluated: 2024-03-06. Review status: criteria provided, single submitter. Criteria: ACMG Guidelines, 2015. Collection method: clinical testing. Allele origin: germline.
Comment: This missense variant replaces aspartic acid with asparagine at codon 1285 of the APC protein. Computational prediction suggests that this variant may not impact protein structure and function (internally defined REVEL score threshold <= 0.5, PMID: 27666373). To our knowledge, functional studies have not been reported for this variant. This variant has not been reported in individuals affected with APC-related disorders in the literature. This variant has not been identified in the general population by the Genome Aggregation Database (gnomAD). The available evidence is insufficient to determine the role of this variant in disease conclusively. Therefore, this variant is classified as a Variant of Uncertain Significance.

Ambry Genetics
Classification: Uncertain significance for Hereditary cancer-predisposing syndrome. Last evaluated: 2019-02-19. Review status: criteria provided, single submitter. Criteria: Ambry Variant Classification Scheme 2023. Collection method: clinical testing. Allele origin: germline.
Comment: The p.D1285N variant (also known as c.3853G>A), located in coding exon 15 of the APC gene, results from a G to A substitution at nucleotide position 3853. The aspartic acid at codon 1285 is replaced by asparagine, an amino acid with highly similar properties. This amino acid position is well conserved in available vertebrate species. In addition, in silico predictors for this gene do not accurately predict pathogenicity. Since supporting evidence is limited at this time, the clinical significance of this alteration remains unclear.

NM_000038.6(APC):c.3853G>A (p.Asp1285Asn)

Gene: APC (APC regulator of Wnt signaling pathway; plus strand). Cytogenetic location: 5q22.2.
Variant type: single nucleotide variant.
Coding change: c.3853G>A on transcript NM_000038.6 (MANE Select); coding-DNA position 3853, G replaced by A.
Protein change: p.Asp1285Asn; replaces aspartic acid 1285 with asparagine.
Molecular consequence: missense variant.
Genome position (GRCh38, 1-based): chr5:112,839,447, G>A. VCF-style: chr5-112839447-G-A. GRCh37 (hg19) VCF-style: chr5-112175144-G-A.
Other names: c.3853G>A, p.Asp1285Asn (NM_001127510.3, NM_001354895.2); c.3799G>A, p.Asp1267Asn (NM_001127511.3); c.3907G>A, p.Asp1303Asn (NM_001354896.2); c.3883G>A, p.Asp1295Asn (NM_001354897.2); c.3778G>A, p.Asp1260Asn (NM_001354898.2); c.3769G>A, p.Asp1257Asn (NM_001354899.2); c.3730G>A, p.Asp1244Asn (NM_001354900.2); c.3676G>A, p.Asp1226Asn (NM_001354901.2); and 5 more; short protein forms D1267N, D1285N, D1125N, D1159N, D1257N, D1260N, D1226N, D1244N.
Identifiers: ClinVar variation 489446 (VCV000489446.59), dbSNP rs1554085350, ClinGen allele CA16029783.